The following is an entry in ClinVar:

NM_001300759.2(TRIM36):c.2145C>T (p.Asp715=)

Gene: TRIM36 (tripartite motif containing 36; minus strand). Cytogenetic location: 5q22.3.
Variant type: single nucleotide variant.
Coding change: c.2145C>T on transcript NM_001300759.2 (MANE Select); coding-DNA position 2145, C replaced by T.
Protein change: p.Asp715=; no amino-acid change (aspartic acid 715 retained).
Molecular consequence: synonymous variant.
Genome position (GRCh38, 1-based): chr5:115,126,509, G>A on the plus strand (C>T on the coding strand, the complement: TRIM36 is on the minus strand). VCF-style: chr5-115126509-G-A. GRCh37 (hg19) VCF-style: chr5-114462206-G-A.
Other names: c.1716C>T, p.Asp572= (NM_001300752.2); c.2181C>T, p.Asp727= (NM_018700.4).
Identifiers: ClinVar variation 2655649 (VCV002655649.24), dbSNP rs1318762634, ClinGen allele CA445992191.

ClinVar aggregate classification (germline): Likely benign (1 of 4 stars; one submission).

Submission:

CeGaT Center for Human Genetics Tuebingen
Classification: Likely benign. Last evaluated: 2022-07-01. Review status: criteria provided, single submitter. Criteria: CeGaT Center For Human Genetics Tuebingen Variant Classification Criteria Version 2. Collection method: clinical testing. Allele origin: germline. Affected: yes. Observed: 1 variant allele.
Comment: TRIM36: BP4, BP7